The following is an entry in ClinVar:

NM_000214.3(JAG1):c.3186dup (p.Lys1063fs)

Gene: JAG1 (jagged canonical Notch ligand 1; minus strand). Cytogenetic location: 20p12.2.
Variant type: Duplication.
Coding change: c.3186dup on transcript NM_000214.3 (MANE Select); coding-DNA position 3186, one base duplicated (G; older notation c.3186dupG).
Protein change: p.Lys1063fs; shifts the reading frame from lysine 1063.
Molecular consequence: frameshift variant.
Genome position (GRCh38, 1-based): chr20:10,640,796, C duplicated on the plus strand (G on the coding strand, the reverse complement: JAG1 is on the minus strand). VCF-style (leftmost placement, unchanged base first): chr20-10640795-T-TC. GRCh37 (hg19) VCF-style: chr20-10621443-T-TC.
Other names: short protein forms K1063fs.
Identifiers: ClinVar variation 2631797 (VCV002631797.1), dbSNP rs2514507734, ClinGen allele CA2695201387.

ClinVar aggregate classification (germline): Likely pathogenic (1 of 4 stars; one submission).

Conditions:
JAG1-related disorder. Also called: JAG1-related condition; JAG1-related disorders.

Submission:

PreventionGenetics, part of Exact Sciences
Classification: Likely pathogenic for JAG1-related condition. Last evaluated: 2023-07-21. Review status: criteria provided, single submitter. Criteria: ACMG Guidelines, 2015. Collection method: clinical testing. Allele origin: germline.
Comment: The JAG1 c.3186dupG variant is predicted to result in a frameshift and premature protein termination (p.Lys1063Glufs*46). To our knowledge, this variant has not been reported in the literature or in a large population database, indicating this variant is rare. Frameshift variants in JAG1 are expected to be pathogenic. This variant is interpreted as likely pathogenic.